The following is an entry in ClinVar:

ClinVar aggregate classification (germline): Uncertain significance. Review status: criteria provided, multiple submitters, no conflicts (2 of 4 stars). 2 submissions from 2 submitters: Uncertain significance (2). Last evaluated 2026-01-15.

Conditions:
Primary ciliary dyskinesia. Also called: Ciliary dyskinesia. Identifiers: Orphanet 244, MedGen C0008780, MONDO:0016575, HP:0012265.

gnomAD v4.1: 63 of 1,612,572 alleles (0.0039%); highest among the groups gnomAD compares: East Asian, 0.074%; no homozygotes.

Submissions (2):

Labcorp Genetics (formerly Invitae), Labcorp
Classification: Uncertain significance for Primary ciliary dyskinesia. Last evaluated: 2026-01-15. Review status: criteria provided, single submitter. Criteria: Invitae Variant Classification Sherloc (09022015). Collection method: clinical testing. Allele origin: germline.
Comment: This sequence change replaces arginine, which is basic and polar, with histidine, which is basic and polar, at codon 117 of the DRC1 protein (p.Arg117His). This variant is present in population databases (rs200567817, gnomAD 0.09%). This missense change has been observed in individual(s) with DRC1-related conditions (PMID: 31040315). An algorithm developed to predict the effect of missense changes on protein structure and function (PolyPhen-2) suggests that this variant is likely to be tolerated. In summary, the available evidence is currently insufficient to determine the role of this variant in disease. Therefore, it has been classified as a Variant of Uncertain Significance.

Blueprint Genetics
Classification: Uncertain significance. Last evaluated: 2024-08-29. Review status: criteria provided, single submitter. Criteria: ACMG Guidelines, 2015. Collection method: clinical testing. Allele origin: germline.

Literature cited by the submitters: PubMed 31040315 (cited by Labcorp Genetics (formerly Invitae), Labcorp).

NM_145038.5(DRC1):c.350G>A (p.Arg117His)

Gene: DRC1 (dynein regulatory complex subunit 1; plus strand). Cytogenetic location: 2p23.3.
Variant type: single nucleotide variant.
Coding change: c.350G>A on transcript NM_145038.5 (MANE Select); coding-DNA position 350, G replaced by A.
Protein change: p.Arg117His; replaces arginine 117 with histidine.
Molecular consequence: missense variant.
Genome position (GRCh38, 1-based): chr2:26,421,394, G>A. VCF-style: chr2-26421394-G-A. GRCh37 (hg19) VCF-style: chr2-26644262-G-A.
Other names: short protein forms R117H.
Identifiers: ClinVar variation 4748280 (VCV004748280.2).
Genomic context (GRCh38, chr2:26,421,394, plus strand): 5'-TCCAGGTGGCTATAGATATCAGAGAGATTCACAGGAGAGTCGAAGAAGAGGAGATAAAGC[G>A]TCAAAGGTAAGGACTGTGCTACTCTGCAGCTGGTGGACATGAAGGTAATCTCCATGGGTC-3'
Protein context (NP_659475.2, residues 107-127): HRRVEEEEIK[Arg117His]QRIEKLENEV